The following is an entry in ClinVar:

NM_207122.2(EXT2):c.952_964del (p.Cys318fs)

Gene: EXT2 (exostosin glycosyltransferase 2; plus strand). Cytogenetic location: 11p11.2.
Variant type: Deletion.
Coding change: c.952_964del on transcript NM_207122.2 (MANE Select); coding-DNA positions 952 to 964, 13 bases deleted (TGTGTGGTTCTTC).
Protein change: p.Cys318fs; shifts the reading frame from cysteine 318.
Molecular consequence: frameshift variant.
Genome position (GRCh38, 1-based): chr11:44,126,828-44,126,840, TGTGTGGTTCTTC deleted; deleting any 13 consecutive bases within chr11:44,126,825-44,126,840 gives the same sequence; the c. name uses the placement nearest the transcript's 3' end. VCF-style (leftmost placement, unchanged base first): chr11-44126824-TTTCTGTGTGGTTC-T. GRCh37 (hg19) VCF-style: chr11-44148374-TTTCTGTGTGGTTC-T.
Other names: c.1051_1063del, p.Cys351fs (NM_000401.3); c.952_964del, p.Cys318fs (NM_001178083.3, NM_001389628.1, NM_001389630.1); short protein forms C318fs, C351fs.
Identifiers: ClinVar variation 963513 (VCV000963513.8), dbSNP rs1954411719, ClinGen allele CA1139661901.
Genomic context (GRCh38, chr11:44,126,824, plus strand): 5'-AGTGGATCAGCAAAACTAGTTTGTAATCTCTTGCCTCTTTGTGTTCCTGCAGGAGGCTAC[TTTCTGTGTGGTTC>T]TTCGTGGAGCTCGGCTGGGCCAGGCAGTATTGAGCGATGTGTTACAAGCTGGCTGTGTCC-3'

ClinVar aggregate classification (germline): Pathogenic (1 of 4 stars; one submission).

Conditions:
Exostoses, multiple, type 2 (EXT2). Also called: Hereditary Multiple Osteochondromatosis, Type II; EXOSTOSES, MULTIPLE, TYPE II. Identifiers: Orphanet 321, MedGen C1851413, MONDO:0007586, OMIM 133701.

Submission:

Labcorp Genetics (formerly Invitae), Labcorp
Classification: Pathogenic for Exostoses, multiple, type 2. Last evaluated: 2023-09-10. Review status: criteria provided, single submitter. Criteria: Invitae Variant Classification Sherloc (09022015). Collection method: clinical testing. Allele origin: germline.
Comment: This sequence change creates a premature translational stop signal (p.Cys318Valfs*10) in the EXT2 gene. It is expected to result in an absent or disrupted protein product. Loss-of-function variants in EXT2 are known to be pathogenic (PMID: 10679937, 19810120). This variant is not present in population databases (gnomAD no frequency). This variant has not been reported in the literature in individuals affected with EXT2-related conditions. ClinVar contains an entry for this variant (Variation ID: 963513). For these reasons, this variant has been classified as Pathogenic.

Literature cited by the submitters: PubMed 10679937; PubMed 19810120.